The following is an entry in ClinVar:

NM_177438.3(DICER1):c.1512A>T (p.Val504=)

Gene: DICER1 (dicer 1, ribonuclease III; minus strand). Cytogenetic location: 14q32.13.
Variant type: single nucleotide variant.
Coding change: c.1512A>T on transcript NM_177438.3 (MANE Select); coding-DNA position 1512, A replaced by T.
Protein change: p.Val504=; no amino-acid change (valine 504 retained).
Molecular consequence: synonymous variant. On other transcripts: non-coding transcript variant (6), intron variant (1).
Genome position (GRCh38, 1-based): chr14:95,116,693, T>A on the plus strand (A>T on the coding strand, the complement: DICER1 is on the minus strand). VCF-style: chr14-95116693-T-A. GRCh37 (hg19) VCF-style: chr14-95583030-T-A.
Other names: c.-59-113A>T (NM_001395697.1); c.1512A>T, p.Val504= (NM_001195573.1, NM_001271282.3, NM_001291628.2 and 12 more transcripts); c.1230A>T, p.Val410= (NM_001395686.1); c.1107A>T, p.Val369= (NM_001395687.1, NM_001395688.1, NM_001395689.1 and 3 more transcripts); c.945A>T, p.Val315= (NM_001395691.1).
Identifiers: ClinVar variation 5042168 (VCV005042168.1).
Genomic context (GRCh38, chr14:95,116,693, plus strand): 5'-CTCTTCTACAATACTTGTTGCAATAAGCAGGTTGGTCTCATGTGCTCGAAATTTCCTAAG[T>A]ACCTGAAAAAAAAAATCCACCAAGAAAAGCACTTCTAAGAAAATTTCTAAAATGAACAAA-3'
Protein context (NP_803187.1, residues 494-514): MEAEFRKQEE[Val504=]LRKFRAHETN

ClinVar aggregate classification (germline): Benign (1 of 4 stars; one submission).

Conditions:
DICER1-related tumor predisposition. Also called: DICER1 syndrome; DICER1-related pleuropulmonary blastoma cancer predisposition syndrome. Identifiers: Orphanet 284343, MedGen C3839822, MONDO:0100216.

Submission:

Myriad Genetics, Inc.
Classification: Benign for DICER1-related tumor predisposition. Last evaluated: 2026-08-18. Review status: criteria provided, single submitter. Criteria: Myriad Autosomal Dominant, Autosomal Recessive and X-Linked Classification Criteria (2023). Collection method: clinical testing. Allele origin: unknown.
Comment: This variant is considered benign. This variant is a silent/synonymous amino acid change and it is not expected to impact splicing.